The following is an entry in ClinVar:

ClinVar aggregate classification (germline): Uncertain significance (1 of 4 stars; one submission).

Conditions:
Developmental and epileptic encephalopathy, 23 (DEE23). Also called: Epileptic encephalopathy, early infantile, 23. Identifiers: Orphanet 411986, MedGen C4014492, MONDO:0014371, OMIM 615859.

Allele frequency attached by ClinVar (database versions not stated): gnomAD exomes 0.00001.
gnomAD v4.1: 8 of 1,586,676 alleles (0.0005%); highest among the groups gnomAD compares: South Asian, 0.0024%; no homozygotes.

Submission:

Labcorp Genetics (formerly Invitae), Labcorp
Classification: Uncertain significance for Developmental and epileptic encephalopathy, 23. Last evaluated: 2021-03-06. Review status: criteria provided, single submitter. Criteria: Invitae Variant Classification Sherloc (09022015). Collection method: clinical testing. Allele origin: germline.
Comment: In summary, the available evidence is currently insufficient to determine the role of this variant in disease. Therefore, it has been classified as a Variant of Uncertain Significance. Algorithms developed to predict the effect of missense changes on protein structure and function are either unavailable or do not agree on the potential impact of this missense change (SIFT: "Deleterious"; PolyPhen-2: "Benign"; Align-GVGD: "Class C65"). This variant has not been reported in the literature in individuals with DOCK7-related conditions. This variant is not present in population databases (ExAC no frequency). This sequence change replaces isoleucine with threonine at codon 1661 of the DOCK7 protein (p.Ile1661Thr). The isoleucine residue is highly conserved and there is a moderate physicochemical difference between isoleucine and threonine.

NM_001367561.1(DOCK7):c.5009T>C (p.Ile1670Thr)

Gene: DOCK7 (dedicator of cytokinesis 7; minus strand). Cytogenetic location: 1p31.3.
Variant type: single nucleotide variant.
Coding change: c.5009T>C on transcript NM_001367561.1 (MANE Select); coding-DNA position 5009, T replaced by C.
Protein change: p.Ile1670Thr; replaces isoleucine 1670 with threonine.
Molecular consequence: missense variant.
Genome position (GRCh38, 1-based): chr1:62,495,596, A>G on the plus strand (T>C on the coding strand, the complement: DOCK7 is on the minus strand). VCF-style: chr1-62495596-A-G. GRCh37 (hg19) VCF-style: chr1-62961267-A-G.
Other names: c.4982T>C, p.Ile1661Thr (NM_001271999.2, NM_001330614.2); c.4889T>C, p.Ile1630Thr (NM_001272000.2, NM_001272001.2); c.4916T>C, p.Ile1639Thr (NM_033407.4); short protein forms I1661T, I1639T, I1670T, I1630T.
Identifiers: ClinVar variation 1044109 (VCV001044109.9), dbSNP rs1646598320, ClinGen allele CA340612852.